The following is an entry in ClinVar:

ClinVar aggregate classification (germline): Uncertain significance. Review status: criteria provided, multiple submitters, no conflicts (2 of 4 stars). 3 submissions from 3 submitters: Uncertain significance (3). Last evaluated 2025-12-31.

Conditions:
Hereditary sensory and autonomic neuropathy with spastic paraplegia (HSNSP). Identifiers: Orphanet 139578, MedGen C1850395, MONDO:0009748, OMIM 256840.

Allele frequency attached by ClinVar (database versions not stated): ExAC 0.00013; gnomAD 0.00022; 1000 Genomes Project 30x 0.00031; TOPMed 0.00031; gnomAD exomes 0.00038; 1000 Genomes Project 0.00040; ESP Exome Variant Server 0.00054.
gnomAD v4.1: 581 of 1,613,692 alleles (0.036%); highest among the groups gnomAD compares: Non-Finnish European, 0.047%; 1 homozygote.

Submissions (3):

Labcorp Genetics (formerly Invitae), Labcorp
Classification: Uncertain significance for Hereditary sensory and autonomic neuropathy with spastic paraplegia. Last evaluated: 2025-12-31. Review status: criteria provided, single submitter. Criteria: Invitae Variant Classification Sherloc (09022015). Collection method: clinical testing. Allele origin: germline.
Comment: This sequence change replaces methionine, which is neutral and non-polar, with threonine, which is neutral and polar, at codon 29 of the CCT5 protein (p.Met29Thr). This variant is present in population databases (rs141133834, gnomAD 0.03%). This variant has not been reported in the literature in individuals affected with CCT5-related conditions. ClinVar contains an entry for this variant (Variation ID: 350247). Invitae Evidence Modeling of protein sequence and biophysical properties (such as structural, functional, and spatial information, amino acid conservation, physicochemical variation, residue mobility, and thermodynamic stability) indicates that this missense variant is not expected to disrupt CCT5 protein function with a negative predictive value of 80%. In summary, the available evidence is currently insufficient to determine the role of this variant in disease. Therefore, it has been classified as a Variant of Uncertain Significance.

CeGaT Center for Human Genetics Tuebingen
Classification: Uncertain significance. Last evaluated: 2022-03-01. Review status: criteria provided, single submitter. Criteria: CeGaT Center For Human Genetics Tuebingen Variant Classification Criteria Version 2. Collection method: clinical testing. Allele origin: germline. Affected: yes. Observed: 1 variant allele.
Comment: CCT5: PM2

Illumina Laboratory Services, Illumina
Classification: Uncertain significance for Hereditary sensory and autonomic neuropathy with spastic paraplegia. Last evaluated: 2018-01-13. Review status: criteria provided, single submitter. Criteria: ICSL Variant Classification Criteria 13 December 2019. Collection method: clinical testing. Allele origin: germline.

NM_012073.5(CCT5):c.86T>C (p.Met29Thr)

Gene: CCT5 (chaperonin containing TCP1 subunit 5; plus strand). Cytogenetic location: 5p15.2.
Variant type: single nucleotide variant.
Coding change: c.86T>C on transcript NM_012073.5 (MANE Select); coding-DNA position 86, T replaced by C.
Protein change: p.Met29Thr; replaces methionine 29 with threonine.
Molecular consequence: missense variant. On other transcripts: intron variant (1).
Genome position (GRCh38, 1-based): chr5:10,250,426, T>C. VCF-style: chr5-10250426-T-C. GRCh37 (hg19) VCF-style: chr5-10250538-T-C.
Other names: c.86T>C, p.Met29Thr (NM_001306154.2); c.42+381T>C (NM_001306153.1); short protein forms M29T.
Identifiers: ClinVar variation 350247 (VCV000350247.37), dbSNP rs141133834, ClinGen allele CA3197950.
Genomic context (GRCh38, chr5:10,250,426, plus strand): 5'-TCGATGAATATGGGCGCCCTTTCCTCATCATCAAGGATCAGGACCGCAAGTCCCGTCTTA[T>C]GGGACTTGAGGCCCTCAAGGTAATGGCACAGGGACCTGCTCGCGGTGGGCTAAGGGGAGG-3'
Protein context (NP_036205.1, residues 19-39): IKDQDRKSRL[Met29Thr]GLEALKSHIM